The following is an entry in ClinVar:

NM_001395656.1(ROBO2):c.*2819T>G

Gene: ROBO2 (roundabout guidance receptor 2; plus strand). Cytogenetic location: 3p12.3.
Variant type: single nucleotide variant.
Coding change: c.*2819T>G on transcript NM_001395656.1 (MANE Select); 2819 bases downstream of the stop codon, T replaced by G.
Molecular consequence: 3 prime UTR variant.
Genome position (GRCh38, 1-based): chr3:77,648,874, T>G. VCF-style: chr3-77648874-T-G. GRCh37 (hg19) VCF-style: chr3-77698025-T-G.
Other names: c.*2819T>G (NM_001378197.1, NM_001378198.1, NM_001378200.1 and 14 more transcripts); c.*2816T>G (NM_001378199.1, NM_001378201.1, NM_001378203.1 and 3 more transcripts).
Identifiers: ClinVar variation 346756 (VCV000346756.6), dbSNP rs191290792, ClinGen allele CA10617489.

ClinVar aggregate classification (germline): Benign (1 of 4 stars; one submission).

Conditions:
Vesicoureteral reflux 2 (VUR2). Identifiers: Orphanet 289365, MedGen C1970483, MONDO:0012573, OMIM 610878.

Allele frequency attached by ClinVar (database versions not stated): gnomAD 0.00029 and 0.00046; TOPMed 0.00042; 1000 Genomes Project 30x 0.00281; 1000 Genomes Project 0.00319.

Submission:

Illumina Laboratory Services, Illumina
Classification: Benign for Vesicoureteral reflux 2. Last evaluated: 2018-01-13. Review status: criteria provided, single submitter. Criteria: ICSL Variant Classification Criteria 13 December 2019. Collection method: clinical testing. Allele origin: germline.
Comment: This variant was observed in the ICSL laboratory as part of a predisposition screen in an ostensibly healthy population. It had not been previously curated by ICSL or reported in the Human Gene Mutation Database (HGMD: prior to June 1st, 2018), and was therefore a candidate for classification through an automated scoring system. Utilizing variant allele frequency, disease prevalence and penetrance estimates, and inheritance mode, an automated score was calculated to assess if this variant is too frequent to cause the disease. Based on the score and internal cut-off values, a variant classified as benign is not then subjected to further curation. The score for this variant resulted in a classification of benign for this disease.